The following is an entry in ClinVar:

ClinVar aggregate classification (germline): Likely benign. Review status: criteria provided, multiple submitters, no conflicts (2 of 4 stars). 2 submissions from 2 submitters: Likely benign (2). Last evaluated 2025-02-10.

Conditions:
Colorectal cancer, susceptibility to, 12 (CRCS12). Also called: COLORECTAL CANCER, SUSCEPTIBILITY TO, ON CHROMOSOME 12q24. Identifiers: Orphanet 220460, MedGen C3554460, MONDO:0014038, OMIM 615083.

Allele frequency attached by ClinVar (database versions not stated): TOPMed below 0.00001; gnomAD 0.00001.
gnomAD v4.1: 1 of 1,612,132 alleles (0.000062%); highest among the groups gnomAD compares: African/African-American, 0.0013%; no homozygotes.

Submissions (2):

Myriad Genetics, Inc.
Classification: Likely benign for Colorectal cancer, susceptibility to, 12. Last evaluated: 2025-02-10. Review status: criteria provided, single submitter. Criteria: Myriad Autosomal Dominant, Autosomal Recessive and X-Linked Classification Criteria (2023). Collection method: clinical testing. Allele origin: unknown.
Comment: This variant is considered likely benign. This variant is intronic and is not expected to impact mRNA splicing.

Labcorp Genetics (formerly Invitae), Labcorp
Classification: Likely benign. Last evaluated: 2022-09-23. Review status: criteria provided, single submitter. Criteria: Invitae Variant Classification Sherloc (09022015). Collection method: clinical testing. Allele origin: germline.

NM_006231.4(POLE):c.1106+10T>C

Gene: POLE (DNA polymerase epsilon, catalytic subunit; minus strand). Cytogenetic location: 12q24.33.
Variant type: single nucleotide variant.
Coding change: c.1106+10T>C on transcript NM_006231.4 (MANE Select); 10 bases into the intron after coding-DNA position 1106, T replaced by C.
Molecular consequence: intron variant.
Genome position (GRCh38, 1-based): chr12:132,675,725, A>G on the plus strand (T>C on the coding strand, the complement: POLE is on the minus strand). VCF-style: chr12-132675725-A-G. GRCh37 (hg19) VCF-style: chr12-133252311-A-G.
Identifiers: ClinVar variation 1961994 (VCV001961994.6), dbSNP rs989924849, ClinGen allele CA246298404.
Genomic context (GRCh38, chr12:132,675,725, plus strand): 5'-GCCCCTGCACCACGCAACGCCCTCCCTCTCAAATGCTGCCCAGTTACTCATAGAGAAGAC[A>G]CAGACTCACCAGTCAAAAAAGTCCCCGTTGTAGGTGACCATGATGGTGGGTTTGGTCTCC-3'